The following is an entry in ClinVar:

ClinVar aggregate classification (germline): Uncertain significance (1 of 4 stars; one submission).

Conditions:
Hydrocephalus, congenital, 3, with brain anomalies. Also called: HYDROCEPHALUS, NONSYNDROMIC, AUTOSOMAL RECESSIVE 3. Identifiers: MedGen C4747885, MONDO:0054794, OMIM 617967.

Allele frequency attached by ClinVar (database versions not stated): gnomAD exomes below 0.00001.

Submission:

Genetics and Molecular Pathology, SA Pathology
Classification: Uncertain significance for Hydrocephalus, congenital, 3, with brain anomalies. Last evaluated: 2021-06-23. Review status: criteria provided, single submitter. Criteria: ACMG Guidelines, 2015. Collection method: clinical testing. Allele origin: germline. Inheritance: Autosomal recessive inheritance. Affected: yes.
Comment: The WDR81 c.1366C>T variant is a single nucleotide change at position 1366 in the WDR81 gene, which is predicted to change the amino acid arginine at position 456 in the protein to tryptophan. The variant is located in the BEACH domain (UniProt Q562E7). This variant has been detected in trans with a likely pathogenic variant (PM3). This variant is absent from population databases (PM2). This variant has not been reported in dbSNP, ClinVar or HGMD. Computational predictions support a deleterious effect on the gene or gene product (PP3).

NM_001163809.2(WDR81):c.1366C>T (p.Arg456Trp)

Gene: WDR81 (WD repeat domain 81; plus strand). Cytogenetic location: 17p13.3.
Variant type: single nucleotide variant.
Coding change: c.1366C>T on transcript NM_001163809.2 (MANE Select); coding-DNA position 1366, C replaced by T.
Protein change: p.Arg456Trp; replaces arginine 456 with tryptophan.
Molecular consequence: missense variant. On other transcripts: intron variant (3).
Genome position (GRCh38, 1-based): chr17:1,726,325, C>T. VCF-style: chr17-1726325-C-T. GRCh37 (hg19) VCF-style: chr17-1629619-C-T.
Other names: c.-123-1665C>T (NM_152348.4); c.59-4055C>T (NM_001163673.2); c.-15+1539C>T (NM_001163811.2); short protein forms R456W.
Identifiers: ClinVar variation 1698779 (VCV001698779.2), dbSNP rs1404957058, ClinGen allele CA397588128.